The following is an entry in ClinVar:

ClinVar aggregate classification (germline): Conflicting classifications of pathogenicity. Review status: criteria provided, conflicting classifications (1 of 4 stars). 2 submissions from 2 submitters: Uncertain significance (1); Likely benign (1). Last evaluated 2025-08-31.

Conditions:
Cardiovascular phenotype. Identifiers: MedGen CN230736.

Allele frequency attached by ClinVar (database versions not stated): ExAC 0.00003; gnomAD exomes 0.00003 and 0.00004; TOPMed 0.00003; gnomAD 0.00005 and 0.00006.
gnomAD v4.1: 67 of 1,612,856 alleles (0.0042%); highest among the groups gnomAD compares: East Asian, 0.12%; no homozygotes.

Submissions (2):

Ambry Genetics
Classification: Likely benign for Cardiovascular phenotype. Last evaluated: 2025-08-31. Review status: criteria provided, single submitter. Criteria: Ambry Variant Classification Scheme 2023. Collection method: clinical testing. Allele origin: germline.

GeneDx
Classification: Uncertain significance. Last evaluated: 2019-04-15. Review status: criteria provided, single submitter. Criteria: GeneDx Variant Classification Process June 2021. Collection method: clinical testing. Allele origin: germline. Affected: yes.
Comment: Has not been previously published as pathogenic or benign to our knowledge; In silico analysis, which includes protein predictors and evolutionary conservation, supports that this variant does not alter protein structure/function

NM_001365276.2(TNXB):c.6362G>A (p.Arg2121His)

Gene: TNXB (tenascin XB; minus strand). Cytogenetic location: 6p21.33.
Variant type: single nucleotide variant.
Coding change: c.6362G>A on transcript NM_001365276.2 (MANE Select); coding-DNA position 6362, G replaced by A.
Protein change: p.Arg2121His; replaces arginine 2121 with histidine.
Molecular consequence: missense variant.
Genome position (GRCh38, 1-based): chr6:32,067,843, C>T on the plus strand (G>A on the coding strand, the complement: TNXB is on the minus strand). VCF-style: chr6-32067843-C-T. GRCh37 (hg19) VCF-style: chr6-32035620-C-T.
Other names: c.6362G>A, p.Arg2121His (NM_019105.8); short protein forms R2121H.
Identifiers: ClinVar variation 1305135 (VCV001305135.5), dbSNP rs778533848, ClinGen allele CA3734454.